The following is an entry in ClinVar:

NM_005996.4(TBX3):c.135G>T (p.Thr45=)

Genes: TBX3 (T-box transcription factor 3; minus strand), TBX3-AS1 (TBX3 antisense RNA 1; plus strand). Cytogenetic location: 12q24.21.
Variant type: single nucleotide variant.
Coding change: c.135G>T on transcript NM_005996.4 (MANE Select); coding-DNA position 135, G replaced by T.
Protein change: p.Thr45=; no amino-acid change (threonine 45 retained).
Molecular consequence: synonymous variant.
Genome position (GRCh38, 1-based): chr12:114,683,066, C>A on the plus strand (G>T on the coding strand, the complement: TBX3 is on the minus strand). VCF-style: chr12-114683066-C-A. GRCh37 (hg19) VCF-style: chr12-115120871-C-A.
Other names: c.135G>T, p.Thr45= (NM_016569.4).
Identifiers: ClinVar variation 3356123 (VCV003356123.1).
Genomic context (GRCh38, chr12:114,683,066, plus strand): 5'-CATGATCGGCTTGGCCAGGGCGCCCGGCAGCGAGAGCGCCGCCGCGCCGTTGGGAGGCAG[C>A]GTCAGCGCGGGGAAGAACGGCGGCTGGTGACCCAGCACCGCGCTCATGGCGAAGTCCGGC-3'
Protein context (NP_005987.3, residues 35-55): GHQPPFFPAL[Thr45=]LPPNGAAALS

ClinVar aggregate classification (germline): Likely benign (0 of 4 stars; one submission).

Conditions:
TBX3-related disorder. Also called: TBX3-related condition.

Submission:

PreventionGenetics, part of Exact Sciences
Classification: Likely benign for TBX3-related condition. Last evaluated: 2023-06-20. Review status: no assertion criteria provided. Collection method: clinical testing. Allele origin: germline.
Comment: This variant is classified as likely benign based on ACMG/AMP sequence variant interpretation guidelines (Richards et al. 2015 PMID: 25741868, with internal and published modifications).